The following is an entry in ClinVar:

NM_006389.5(HYOU1):c.1614C>T (p.Gly538=)

Gene: HYOU1 (hypoxia up-regulated 1; minus strand). Cytogenetic location: 11q23.3.
Variant type: single nucleotide variant.
Coding change: c.1614C>T on transcript NM_006389.5 (MANE Select); coding-DNA position 1614, C replaced by T.
Protein change: p.Gly538=; no amino-acid change (glycine 538 retained).
Molecular consequence: synonymous variant.
Genome position (GRCh38, 1-based): chr11:119,051,086, G>A on the plus strand (C>T on the coding strand, the complement: HYOU1 is on the minus strand). VCF-style: chr11-119051086-G-A. GRCh37 (hg19) VCF-style: chr11-118921798-G-A.
Other names: c.1614C>T (NM_006389.4); c.1614C>T, p.Gly538= (NM_001130991.3).
Identifiers: ClinVar variation 1533794 (VCV001533794.11), dbSNP rs144588748, ClinGen allele CA229621420.

ClinVar aggregate classification (germline): Likely benign. Review status: criteria provided, multiple submitters, no conflicts (2 of 4 stars). 3 submissions from 3 submitters: Likely benign (2). 1 of the submissions does not count toward it. Last evaluated 2026-01-26.

Conditions:
HYOU1-related disorder. Also called: HYOU1-related condition.

Allele frequency attached by ClinVar (database versions not stated): gnomAD 0.00026 and 0.00027; TOPMed 0.00030; gnomAD exomes 0.00064.
gnomAD v4.1: 972 of 1,614,094 alleles (0.06%); highest among the groups gnomAD compares: Non-Finnish European, 0.077%; 1 homozygote.

Submissions (3):

Labcorp Genetics (formerly Invitae), Labcorp
Classification: Likely benign. Last evaluated: 2026-01-26. Review status: criteria provided, single submitter. Criteria: Invitae Variant Classification Sherloc (09022015). Collection method: clinical testing. Allele origin: germline.

Blueprint Genetics
Classification: Likely benign. Last evaluated: 2024-09-25. Review status: criteria provided, single submitter. Criteria: ACMG Guidelines, 2015. Collection method: clinical testing. Allele origin: germline.

PreventionGenetics, part of Exact Sciences
Classification: Likely benign for HYOU1-related condition. Last evaluated: 2019-09-09. Review status: no assertion criteria provided. Collection method: clinical testing. Allele origin: germline. Not counted in ClinVar's aggregate classification.
Comment: This variant is classified as likely benign based on ACMG/AMP sequence variant interpretation guidelines (Richards et al. 2015 PMID: 25741868, with internal and published modifications).